The following is an entry in ClinVar:

NM_016373.4(WWOX):c.847A>G (p.Thr283Ala)

Gene: WWOX (WW domain containing oxidoreductase; plus strand). Cytogenetic location: 16q23.1.
Variant type: single nucleotide variant.
Coding change: c.847A>G on transcript NM_016373.4 (MANE Select); coding-DNA position 847, A replaced by G.
Protein change: p.Thr283Ala; replaces threonine 283 with alanine.
Molecular consequence: missense variant.
Genome position (GRCh38, 1-based): chr16:78,432,543, A>G. VCF-style: chr16-78432543-A-G. GRCh37 (hg19) VCF-style: chr16-78466440-A-G.
Other names: c.508A>G, p.Thr170Ala (NM_001291997.2); short protein forms T170A, T283A.
Identifiers: ClinVar variation 960377 (VCV000960377.9), dbSNP rs1037290766, ClinGen allele CA396843135.
Genomic context (GRCh38, chr16:78,432,543, plus strand): 5'-TTAAGATTTACAGATATTAACGACTCCTTGGGAAAACTGGACTTCAGTCGCCTCTCTCCA[A>G]CAAAAAACGACTATTGGGCGATGCTGGCTTATAACAGGTCCAAGCTCTGCAACATCCTCT-3'
Protein context (NP_057457.1, residues 273-293): GKLDFSRLSP[Thr283Ala]KNDYWAMLAY

ClinVar aggregate classification (germline): Uncertain significance (1 of 4 stars; one submission).

Conditions:
Autosomal recessive spinocerebellar ataxia 12. Also called: SPINOCEREBELLAR ATAXIA WITH MENTAL RETARDATION AND EPILEPSY. Identifiers: Orphanet 284282, MedGen C3280452, MONDO:0013687, OMIM 614322.
Developmental and epileptic encephalopathy, 1 (DEE1). Also called: X-linked infantile spasms; West's syndrome; Tonic spasms with clustering, arrest of psychomotor development and hypsarrhythmia on EEG; X-Linked Infantile Spasm Syndrome; OHTAHARA SYNDROME, X-LINKED; INFANTILE SPASM SYNDROME, X-LINKED 1. Identifiers: MedGen C3463992, MONDO:0010632, OMIM 308350. Disease mechanism: loss of function.

Allele frequency attached by ClinVar (database versions not stated): TOPMed 0.00001.
gnomAD v4.1: 4 of 1,614,162 alleles (0.00025%); highest among the groups gnomAD compares: African/African-American, 0.0013%; no homozygotes.

Submission:

Labcorp Genetics (formerly Invitae), Labcorp
Classification: Uncertain significance for Developmental and epileptic encephalopathy, 1; Autosomal recessive spinocerebellar ataxia 12. Last evaluated: 2022-04-04. Review status: criteria provided, single submitter. Criteria: Invitae Variant Classification Sherloc (09022015). Collection method: clinical testing. Allele origin: germline.
Comment: In summary, the available evidence is currently insufficient to determine the role of this variant in disease. Therefore, it has been classified as a Variant of Uncertain Significance. Algorithms developed to predict the effect of sequence changes on RNA splicing suggest that this variant may create or strengthen a splice site. Algorithms developed to predict the effect of missense changes on protein structure and function are either unavailable or do not agree on the potential impact of this missense change (SIFT: "Not Available"; PolyPhen-2: "Benign"; Align-GVGD: "Not Available"). ClinVar contains an entry for this variant (Variation ID: 960377). This variant has not been reported in the literature in individuals affected with WWOX-related conditions. This variant is not present in population databases (gnomAD no frequency). This sequence change replaces threonine, which is neutral and polar, with alanine, which is neutral and non-polar, at codon 283 of the WWOX protein (p.Thr283Ala).